The following is an entry in ClinVar:

NM_001844.5(COL2A1):c.1646del (p.Gly549fs)

Gene: COL2A1 (collagen type II alpha 1 chain; minus strand). Cytogenetic location: 12q13.11.
Variant type: Deletion.
Coding change: c.1646del on transcript NM_001844.5 (MANE Select); coding-DNA position 1646, one base deleted (G; older notation c.1646delG).
Protein change: p.Gly549fs; shifts the reading frame from glycine 549.
Molecular consequence: frameshift variant.
Genome position (GRCh38, 1-based): chr12:47,985,762, C deleted on the plus strand (G on the coding strand, the reverse complement: COL2A1 is on the minus strand); the first of 2 consecutive C bases (chr12:47,985,762-47,985,763); deleting either gives the same sequence. VCF-style (leftmost placement, unchanged base first): chr12-47985761-GC-G. GRCh37 (hg19) VCF-style: chr12-48379544-GC-G.
Other names: c.1439del, p.Gly480fs (NM_033150.3); short protein forms G549fs, G480fs.
Identifiers: ClinVar variation 4714063 (VCV004714063.1).

ClinVar aggregate classification (germline): Pathogenic (1 of 4 stars; one submission).

Submission:

Labcorp Genetics (formerly Invitae), Labcorp
Classification: Pathogenic. Last evaluated: 2025-02-27. Review status: criteria provided, single submitter. Criteria: Invitae Variant Classification Sherloc (09022015). Collection method: clinical testing. Allele origin: germline.
Comment: This sequence change creates a premature translational stop signal (p.Gly549Alafs*80) in the COL2A1 gene. It is expected to result in an absent or disrupted protein product. Loss-of-function variants in COL2A1 are known to be pathogenic (PMID: 20179744). This variant is not present in population databases (gnomAD no frequency). This variant has not been reported in the literature in individuals affected with COL2A1-related conditions. For these reasons, this variant has been classified as Pathogenic.

Literature cited by the submitters: PubMed 20179744.